The following is an entry in ClinVar:

NM_001379403.1(WDR26):c.513C>T (p.Ser171=)

Gene: WDR26 (WD repeat domain 26; minus strand). Cytogenetic location: 1q42.12.
Variant type: single nucleotide variant.
Coding change: c.513C>T on transcript NM_001379403.1 (MANE Select); coding-DNA position 513, C replaced by T.
Protein change: p.Ser171=; no amino-acid change (serine 171 retained).
Molecular consequence: synonymous variant.
Genome position (GRCh38, 1-based): chr1:224,433,893, G>A on the plus strand (C>T on the coding strand, the complement: WDR26 is on the minus strand). VCF-style: chr1-224433893-G-A. GRCh37 (hg19) VCF-style: chr1-224621595-G-A.
Other names: c.213C>T, p.Ser71= (NM_001115113.3, NM_025160.7).
Identifiers: ClinVar variation 2639931 (VCV002639931.24), dbSNP rs938426350, ClinGen allele CA38747407.

ClinVar aggregate classification (germline): Likely benign (1 of 4 stars; one submission).

Allele frequency attached by ClinVar (database versions not stated): TOPMed 0.00002.

Submission:

CeGaT Center for Human Genetics Tuebingen
Classification: Likely benign. Last evaluated: 2022-09-01. Review status: criteria provided, single submitter. Criteria: CeGaT Center For Human Genetics Tuebingen Variant Classification Criteria Version 2. Collection method: clinical testing. Allele origin: germline. Affected: yes. Observed: 1 variant allele.
Comment: WDR26: BP4, BP7